The following is an entry in ClinVar:

ClinVar aggregate classification (germline): Benign/Likely benign. Review status: criteria provided, multiple submitters, no conflicts (2 of 4 stars). 7 submissions from 7 submitters: Benign (1); Likely benign (5). 1 of the submissions does not count toward it. Last evaluated 2026-01-13.

Conditions:
Hereditary nonpolyposis colorectal neoplasms. Identifiers: MedGen C0009405, MeSH D003123.
Hereditary cancer-predisposing syndrome. Also called: Hereditary Cancer Syndrome; Neoplastic Syndromes, Hereditary; Tumor predisposition; Hereditary neoplastic syndrome. Identifiers: Orphanet 140162, MedGen C0027672, MeSH D009386, MONDO:0015356.
Lynch syndrome. Identifiers: Orphanet 144, MedGen C4552100, MONDO:0005835. Disease mechanism: loss of function.
Lynch syndrome 5 (LYNCH5). Also called: Colorectal cancer, hereditary nonpolyposis, type 5; Hereditary non-polyposis colorectal cancer, type 5. Identifiers: Orphanet 144, MedGen C1833477, MONDO:0013710, OMIM 614350. Disease mechanism: loss of function.
Malignant tumor of breast. Also called: Malignant breast neoplasm; Cancer breast. Identifiers: MedGen C0006142, MONDO:0007254. Disease mechanism: loss of function.

Allele frequency attached by ClinVar (database versions not stated): gnomAD below 0.00001 and 0.00003; gnomAD exomes 0.00002 and 0.00003; ExAC 0.00003; 1000 Genomes Project 30x 0.00047; 1000 Genomes Project 0.00060.

Submissions (7):

Labcorp Genetics (formerly Invitae), Labcorp
Classification: Likely benign for Hereditary nonpolyposis colorectal neoplasms. Last evaluated: 2026-01-13. Review status: criteria provided, single submitter. Criteria: Invitae Variant Classification Sherloc (09022015). Collection method: clinical testing. Allele origin: germline.

Myriad Genetics, Inc.
Classification: Benign for Lynch syndrome 5. Last evaluated: 2024-12-23. Review status: criteria provided, single submitter. Criteria: Myriad Autosomal Dominant, Autosomal Recessive and X-Linked Classification Criteria (2023). Collection method: clinical testing. Allele origin: unknown.
Comment: This variant is considered benign. This variant is a silent/synonymous amino acid change and it is not expected to impact splicing.

All of Us Research Program, National Institutes of Health
Classification: Likely benign for Lynch syndrome. Last evaluated: 2023-04-10. Review status: criteria provided, single submitter. Criteria: ACMG Guidelines, 2015. Collection method: clinical testing. Allele origin: germline. Inheritance: Autosomal dominant inheritance. Observed: 3 variant alleles, 3 heterozygotes.
Comment: This study involves interpretation of variants in research participants for the purpose of population health screening. Participant phenotype was not available at the time of variant classification. Additional details can be found in publication PMID: 35346344, PMCID: PMC8962531

GeneDx
Classification: Likely benign. Last evaluated: 2018-02-22. Review status: criteria provided, single submitter. Criteria: GeneDx Variant Classification (06012015). Collection method: clinical testing. Allele origin: germline. Affected: yes.
Comment: This variant is considered likely benign or benign based on one or more of the following criteria: it is a conservative change, it occurs at a poorly conserved position in the protein, it is predicted to be benign by multiple in silico algorithms, and/or has population frequency not consistent with disease.

Color Diagnostics, LLC DBA Color Health
Classification: Likely benign for Hereditary cancer-predisposing syndrome. Last evaluated: 2017-07-21. Review status: criteria provided, single submitter. Criteria: ACMG Guidelines, 2015. Collection method: clinical testing. Allele origin: germline.

Ambry Genetics
Classification: Likely benign for Hereditary cancer-predisposing syndrome. Last evaluated: 2016-04-07. Review status: criteria provided, single submitter. Criteria: Ambry Variant Classification Scheme 2023. Collection method: clinical testing. Allele origin: germline.

Department of Pathology and Laboratory Medicine, Sinai Health System
Classification: Likely benign for Malignant tumor of breast. Review status: no assertion criteria provided. Collection method: clinical testing. Allele origin: unknown. Affected: yes. Study: The Canadian Open Genetics Repository (COGR). Not counted in ClinVar's aggregate classification.
Comment: The MSH6 p.Arg411= variant was not identified in the literature nor was it identified in the MutDB, LOVD 3.0, UMD-LSDB, Zhejiang Colon Cancer Database, Mismatch Repair Genes Variant Database, or Insight Hereditary Tumors Database. The variant was identified in dbSNP (ID: rs554843104), ClinVar (classified likely benign by Ambry Genetics, Color Genomics Inc and GeneDx), Clinvitae (1x), Cosmic (1x in a malignant melanoma), and in control databases in 5 of 246106 chromosomes at a frequency of 0.00002 (Genome Aggregation Database Feb 27, 2017). It was observed in the South Asian population in 5 of 30782 chromosomes (freq: 0.0002) but not in the African, Other, Latino, European Non-Finnish, Ashkenazi Jewish, East Asian and Finnish populations. The p.Arg411= variant is not expected to have clinical significance because it does not result in a change of amino acid and is not located in a known consensus splice site. In addition, in silico or computational prediction software programs (SpliceSiteFinder, MaxEntScan, NNSPLICE, GeneSplicer, HumanSpliceFinder) do not predict a difference in splicing. In summary, based on the above information the clinical significance of this variant cannot be determined with certainty at this time although we would lean towards a more benign role for this variant. This variant is classified as likely benign.

NM_000179.3(MSH6):c.1233G>A (p.Arg411=)

Gene: MSH6 (mutS homolog 6; plus strand). Cytogenetic location: 2p16.3.
Variant type: single nucleotide variant.
Coding change: c.1233G>A on transcript NM_000179.3 (MANE Select); coding-DNA position 1233, G replaced by A.
Protein change: p.Arg411=; no amino-acid change (arginine 411 retained).
Molecular consequence: synonymous variant.
Genome position (GRCh38, 1-based): chr2:47,799,216, G>A. VCF-style: chr2-47799216-G-A. GRCh37 (hg19) VCF-style: chr2-48026355-G-A.
Other names: c.843G>A, p.Arg281= (NM_001281492.2); c.327G>A, p.Arg109= (NM_001281493.2, NM_001281494.2).
Identifiers: ClinVar variation 479901 (VCV000479901.22), dbSNP rs554843104, ClinGen allele CA067380.